The following is an entry in ClinVar:

ClinVar aggregate classification (germline): Pathogenic (1 of 4 stars; one submission).

Conditions:
Agenesis of the corpus callosum with peripheral neuropathy (ACCPN). Also called: CHARLEVOIX DISEASE; POLYNEUROPATHY, SENSORIMOTOR, WITH OR WITHOUT AGENESIS OF THE CORPUS CALLOSUM; HMSN/ACC; Hereditary Motor and Sensory Neuropathy with Agenesis of the Corpus Callosum. Identifiers: Orphanet 1496, MedGen C0795950, MONDO:0000902, OMIM 218000. Disease mechanism: loss of function.

Submission:

Myriad Genetics, Inc.
Classification: Pathogenic for Agenesis of the corpus callosum with peripheral neuropathy. Last evaluated: 2023-09-27. Review status: criteria provided, single submitter. Criteria: Myriad Autosomal Dominant, Autosomal Recessive and X-Linked Classification Criteria (2023). Collection method: clinical testing. Allele origin: unknown.
Comment: NM_133647.1(SLC12A6):c.3061dupC(R1021Pfs*13) is expected to be pathogenic in the context of Andermann syndrome. This variant is predicted to lead to an abnormal or absent protein product due to the creation of a premature termination codon in SLC12A6, a gene where loss-of-function variants are known to be pathogenic. Please note: this variant was assessed in the context of healthy population screening.

NM_001365088.1(SLC12A6):c.3061dup (p.Arg1021fs)

Gene: SLC12A6 (solute carrier family 12 member 6; minus strand). Cytogenetic location: 15q14.
Variant type: Duplication.
Coding change: c.3061dup on transcript NM_001365088.1 (MANE Select); coding-DNA position 3061, one base duplicated (C; older notation c.3061dupC).
Protein change: p.Arg1021fs; shifts the reading frame from arginine 1021.
Molecular consequence: frameshift variant.
Genome position (GRCh38, 1-based): chr15:34,236,181, G duplicated on the plus strand (C on the coding strand, the reverse complement: SLC12A6 is on the minus strand); the first of 2 consecutive G bases (chr15:34,236,181-34,236,182); duplicating either gives the same sequence. VCF-style (leftmost placement, unchanged base first): chr15-34236180-C-CG. GRCh37 (hg19) VCF-style: chr15-34528381-C-CG.
Other names: c.2884dup, p.Arg962fs (NM_001042494.2, NM_001042495.2); c.3034dup, p.Arg1012fs (NM_001042496.2); c.3016dup, p.Arg1006fs (NM_001042497.2); c.2908dup, p.Arg970fs (NM_005135.2); c.3061dup, p.Arg1021fs (NM_133647.2); short protein forms R1006fs, R1012fs, R1021fs, R962fs, R970fs.
Identifiers: ClinVar variation 5011967 (VCV005011967.1).